The following is an entry in ClinVar:

NM_000426.4(LAMA2):c.8638G>T (p.Asp2880Tyr)

Gene: LAMA2 (laminin subunit alpha 2; plus strand). Cytogenetic location: 6q22.33.
Variant type: single nucleotide variant.
Coding change: c.8638G>T on transcript NM_000426.4 (MANE Select); coding-DNA position 8638, G replaced by T.
Protein change: p.Asp2880Tyr; replaces aspartic acid 2880 with tyrosine.
Molecular consequence: missense variant.
Genome position (GRCh38, 1-based): chr6:129,505,290, G>T. VCF-style: chr6-129505290-G-T. GRCh37 (hg19) VCF-style: chr6-129826435-G-T.
Other names: c.8626G>T, p.Asp2876Tyr (NM_001079823.2); c.8638G>T (NM_000426.3); short protein forms D2876Y, D2880Y.
Identifiers: ClinVar variation 1510526 (VCV001510526.9), dbSNP rs146976290, ClinGen allele CA365634903.
Genomic context (GRCh38, chr6:129,505,290, plus strand): 5'-ATTCTTTATGTAGATGGGGCTTCCAACAGAACCATCAGTCCCAAAAAAGCCGACATCCTG[G>T]ATGTCGTGGGAATGCTGTATGTTGGTGGGTTACCCATCAACTACACTACCCGAAGAATTG-3'
Protein context (NP_000417.3, residues 2870-2890): TISPKKADIL[Asp2880Tyr]VVGMLYVGGL

ClinVar aggregate classification (germline): Uncertain significance. Review status: criteria provided, multiple submitters, no conflicts (2 of 4 stars). 2 submissions from 2 submitters: Uncertain significance (2). Last evaluated 2024-09-04.

Conditions:
LAMA2-related muscular dystrophy (LAMA2-RD). Also called: Laminin alpha 2-related dystrophy. Identifiers: MedGen C5679788, MONDO:0100228.

gnomAD v4.1: 1 of 1,613,994 alleles (0.000062%); highest among the groups gnomAD compares: East Asian, 0.0022%; no homozygotes.

Submissions (2):

GeneDx
Classification: Uncertain significance. Last evaluated: 2024-09-04. Review status: criteria provided, single submitter. Criteria: GeneDx Variant Classification Process June 2021. Collection method: clinical testing. Allele origin: germline. Affected: yes.
Comment: Not observed at significant frequency in large population cohorts (gnomAD); In silico analysis supports that this missense variant has a deleterious effect on protein structure/function; Has not been previously published as pathogenic or benign to our knowledge

Labcorp Genetics (formerly Invitae), Labcorp
Classification: Uncertain significance for LAMA2-related muscular dystrophy. Last evaluated: 2021-05-24. Review status: criteria provided, single submitter. Criteria: Invitae Variant Classification Sherloc (09022015). Collection method: clinical testing. Allele origin: germline.
Comment: In summary, the available evidence is currently insufficient to determine the role of this variant in disease. Therefore, it has been classified as a Variant of Uncertain Significance. Algorithms developed to predict the effect of sequence changes on RNA splicing suggest that this variant may create or strengthen a splice site, but this prediction has not been confirmed by published transcriptional studies. Algorithms developed to predict the effect of missense changes on protein structure and function are either unavailable or do not agree on the potential impact of this missense change (SIFT: "Deleterious"; PolyPhen-2: "Probably Damaging"; Align-GVGD: "Class C0"). This variant has not been reported in the literature in individuals with LAMA2-related conditions. This variant is not present in population databases (ExAC no frequency). This sequence change replaces aspartic acid with tyrosine at codon 2880 of the LAMA2 protein (p.Asp2880Tyr). The aspartic acid residue is moderately conserved and there is a large physicochemical difference between aspartic acid and tyrosine.